The following is an entry in ClinVar:

ClinVar aggregate classification (germline): Uncertain significance (1 of 4 stars; one submission).

Submission:

Ambry Genetics
Classification: Uncertain significance. Last evaluated: 2023-05-31. Review status: criteria provided, single submitter. Criteria: Ambry Variant Classification Scheme 2023. Collection method: clinical testing. Allele origin: germline.
Comment: The p.E411D variant (also known as c.1233A>C), located in coding exon 13 of the NPAT gene, results from an A to C substitution at nucleotide position 1233. The glutamic acid at codon 411 is replaced by aspartic acid, an amino acid with highly similar properties. This amino acid position is conserved. In addition, this alteration is predicted to be tolerated by in silico analysis. Since supporting evidence is limited at this time, the clinical significance of this alteration remains unclear.

NM_002519.3(NPAT):c.1233A>C (p.Glu411Asp)

Gene: NPAT (nuclear protein, coactivator of histone transcription; minus strand). Cytogenetic location: 11q22.3.
Variant type: single nucleotide variant.
Coding change: c.1233A>C on transcript NM_002519.3 (MANE Select); coding-DNA position 1233, A replaced by C.
Protein change: p.Glu411Asp; replaces glutamic acid 411 with aspartic acid.
Molecular consequence: missense variant.
Genome position (GRCh38, 1-based): chr11:108,173,751, T>G on the plus strand (A>C on the coding strand, the complement: NPAT is on the minus strand). VCF-style: chr11-108173751-T-G. GRCh37 (hg19) VCF-style: chr11-108044478-T-G.
Other names: c.1233A>C, p.Glu411Asp (NM_001321307.1); short protein forms E411D.
Identifiers: ClinVar variation 2568024 (VCV002568024.2), dbSNP rs1241084709, ClinGen allele CA382515928.